The following is an entry in ClinVar:

ClinVar aggregate classification (germline): Uncertain significance. Review status: criteria provided, multiple submitters, no conflicts (2 of 4 stars). 2 submissions from 2 submitters: Uncertain significance (2). Last evaluated 2025-03-04.

Conditions:
Frasier syndrome. Identifiers: Orphanet 347, MedGen C0950122, MeSH D052159, MONDO:0007635, OMIM 136680.
Drash syndrome (DDS). Also called: NEPHROPATHY, WILMS TUMOR, AND GENITAL ANOMALIES; WILMS TUMOR AND PSEUDO- OR TRUE HERMAPHRODITISM. Identifiers: Orphanet 220, MedGen C0950121, MONDO:0008682, OMIM 194080.
Wilms tumor 1 (WT1). Also called: Wilms tumor, somatic. Identifiers: Orphanet 654, MedGen CN033288, MONDO:0008679, OMIM 194070.
11p partial monosomy syndrome (WAGR). Also called: WAGR Complex; CHROMOSOME 11p13 DELETION SYNDROME; WAGR Spectrum Disorder; WAGR syndrome. Identifiers: Orphanet 893, MedGen C0206115, MONDO:0008681, OMIM 194072.
Inborn genetic diseases. Identifiers: MedGen C0950123, MeSH D030342.

Submissions (2):

Ambry Genetics
Classification: Uncertain significance for Inborn genetic diseases. Last evaluated: 2025-03-04. Review status: criteria provided, single submitter. Criteria: Ambry Variant Classification Scheme 2023. Collection method: clinical testing. Allele origin: germline.
Comment: The p.M392I variant (also known as c.1176G>A), located in coding exon 7 of the WT1 gene, results from a G to A substitution at nucleotide position 1176. The methionine at codon 392 is replaced by isoleucine, an amino acid with highly similar properties. This amino acid position is conserved. In addition, this alteration is predicted to be tolerated by in silico analysis. Based on the available evidence, the clinical significance of this variant remains unclear.

Labcorp Genetics (formerly Invitae), Labcorp
Classification: Uncertain significance for Wilms tumor 1; Drash syndrome; 11p partial monosomy syndrome; Frasier syndrome. Last evaluated: 2022-06-26. Review status: criteria provided, single submitter. Criteria: Invitae Variant Classification Sherloc (09022015). Collection method: clinical testing. Allele origin: germline.
Comment: This sequence change replaces methionine, which is neutral and non-polar, with isoleucine, which is neutral and non-polar, at codon 392 of the WT1 protein (p.Met392Ile). In summary, the available evidence is currently insufficient to determine the role of this variant in disease. Therefore, it has been classified as a Variant of Uncertain Significance. Algorithms developed to predict the effect of missense changes on protein structure and function are either unavailable or do not agree on the potential impact of this missense change (SIFT: "Deleterious"; PolyPhen-2: "Probably Damaging"; Align-GVGD: "Class C0"). This variant has not been reported in the literature in individuals affected with WT1-related conditions. This variant is not present in population databases (gnomAD no frequency).

NM_024426.6(WT1):c.1191G>A (p.Met397Ile)

Gene: WT1 (WT1 transcription factor; minus strand). Cytogenetic location: 11p13.
Variant type: single nucleotide variant.
Coding change: c.1191G>A on transcript NM_024426.6 (MANE Select); coding-DNA position 1191, G replaced by A.
Protein change: p.Met397Ile; replaces methionine 397 with isoleucine.
Molecular consequence: missense variant. On other transcripts: initiator codon variant (1), non-coding transcript variant (1).
Genome position (GRCh38, 1-based): chr11:32,396,330, C>T on the plus strand (G>A on the coding strand, the complement: WT1 is on the minus strand). VCF-style: chr11-32396330-C-T. GRCh37 (hg19) VCF-style: chr11-32417876-C-T.
Other names: c.1140G>A, p.Met380Ile (NM_000378.6, NM_001407045.1, NM_001407048.1 and 1 more transcripts); c.540G>A, p.Met180Ile (NM_001198551.2); c.489G>A, p.Met163Ile (NM_001198552.2); c.3G>A, p.Met1Ile (NM_001367854.1); c.1185G>A, p.Met395Ile (NM_001407044.1); c.1191G>A, p.Met397Ile (NM_001407046.1, NM_024424.5); c.1068G>A, p.Met356Ile (NM_001407047.1); c.1017G>A, p.Met339Ile (NM_001407050.1); and 3 more; short protein forms M163I, M1I, M380I, M180I, M397I, M356I, M392I, M395I.
Identifiers: ClinVar variation 1420469 (VCV001420469.9), dbSNP rs2132940348, ClinGen allele CA379959931.